The following is an entry in ClinVar:

NM_000038.6(APC):c.136-2228T>A

Gene: APC (APC regulator of WNT signaling pathway; plus strand). Cytogenetic location: 5q22.2.
Variant type: single nucleotide variant.
Coding change: c.136-2228T>A on transcript NM_000038.6 (MANE Select); 2228 bases into the intron before coding-DNA position 136, T replaced by A.
Molecular consequence: intron variant.
Genome position (GRCh38, 1-based): chr5:112,764,098, T>A. VCF-style: chr5-112764098-T-A. GRCh37 (hg19) VCF-style: chr5-112099795-T-A.
Other names: c.136-2228T>A (NM_001354895.2, NM_001127510.3, NM_001354896.2 and 2 more transcripts); c.166-2228T>A (NM_001354897.2, NM_001354902.2, NM_001127511.3); c.61-2228T>A (NM_001354898.2, NM_001354904.2); c.-900-2228T>A (NM_001354906.2); c.-42-2228T>A (NM_001354900.2, NM_001354901.2, NM_001354905.2).
Identifiers: ClinVar variation 82858 (VCV000082858.2), dbSNP rs77179372, ClinGen allele CA004557.
Genomic context (GRCh38, chr5:112,764,098, plus strand): 5'-CCATCCTGGCTAACACGGTGAAACCCCGTCTCTACTATACTAAAAAAAAAAAAAAAAAAT[T>A]AGCCGGGCGTGGTGGCGGGAGCCTGTAGTCCCAGCTACTGGGGAGGCTGAGGCAGGAGAA-3'

ClinVar aggregate classification (germline): other (0 of 4 stars; one submission).

Conditions:
Familial colorectal cancer. Identifiers: MedGen CN280943, MONDO:0023113. Disease mechanism: loss of function.

Submission:

Systems Biology Platform Zhejiang California International NanoSystems Institute
Classification: other for Familial colorectal cancer. Review status: no assertion criteria provided. Collection method: not provided. Allele origin: unknown.
ClinVar note: Converted during submission from cancer to other.